The following is an entry in ClinVar:

ClinVar aggregate classification (germline): Uncertain significance (1 of 4 stars; one submission).

Submission:

CeGaT Center for Human Genetics Tuebingen
Classification: Uncertain significance. Last evaluated: 2025-02-01. Review status: criteria provided, single submitter. Criteria: CeGaT Center For Human Genetics Tuebingen Variant Classification Criteria Version 2. Collection method: clinical testing. Allele origin: germline. Affected: yes. Observed: 1 variant allele.
Comment: KMT2B: PM2

NM_014727.3(KMT2B):c.23G>C (p.Gly8Ala)

Gene: KMT2B (lysine methyltransferase 2B; plus strand). Cytogenetic location: 19q13.12.
Variant type: single nucleotide variant.
Coding change: c.23G>C on transcript NM_014727.3 (MANE Select); coding-DNA position 23, G replaced by C.
Protein change: p.Gly8Ala; replaces glycine 8 with alanine.
Molecular consequence: missense variant.
Genome position (GRCh38, 1-based): chr19:35,718,041, G>C. VCF-style: chr19-35718041-G-C. GRCh37 (hg19) VCF-style: chr19-36208943-G-C.
Other names: short protein forms G8A.
Identifiers: ClinVar variation 3772467 (VCV003772467.13).